The following is an entry in ClinVar:

NM_000257.4(MYH7):c.3915_3916delinsAA (p.Leu1306Ile)

Gene: MYH7 (myosin heavy chain 7; minus strand). Cytogenetic location: 14q11.2.
Variant type: Indel.
Coding change: c.3915_3916delinsAA on transcript NM_000257.4 (MANE Select); coding-DNA positions 3915 to 3916, GC replaced by AA.
Protein change: p.Leu1306Ile; replaces leucine 1306 with isoleucine.
Molecular consequence: missense variant.
Genome position (GRCh38, 1-based): chr14:23,419,233-23,419,234, GC replaced by TT on the plus strand (GC replaced by AA on the coding strand, the reverse complement: MYH7 is on the minus strand). VCF-style: chr14-23419233-GC-TT. GRCh37 (hg19) VCF-style: chr14-23888442-GC-TT.
Other names: c.3915_3916delGCinsAA (LRG_384t1, NM_000257.2); c.3915_3916delinsAA (NM_000257.2); short protein forms L1306I.
Identifiers: ClinVar variation 188247 (VCV000188247.8), dbSNP rs786204174, ClinGen allele CA014225.

ClinVar aggregate classification (germline): Uncertain significance. Review status: criteria provided, multiple submitters, no conflicts (2 of 4 stars). 2 submissions from 2 submitters: Uncertain significance (2). Last evaluated 2026-03-31.

Conditions:
Hypertrophic cardiomyopathy. Also called: HYPERTROPHIC MYOCARDIOPATHY. Identifiers: Orphanet 217569, MedGen C0007194, MeSH D002312, MONDO:0005045, HP:0001639.

Submissions (2):

GeneDx
Classification: Uncertain significance. Last evaluated: 2026-03-31. Review status: criteria provided, single submitter. Criteria: GeneDx Variant Classification Process June 2021. Collection method: clinical testing. Allele origin: germline.
Comment: Not observed at significant frequency in large population cohorts (gnomAD); In silico analysis supports a deleterious effect on protein structure/function; Has not been previously published as pathogenic or benign to our knowledge

Labcorp Genetics (formerly Invitae), Labcorp
Classification: Uncertain significance for Hypertrophic cardiomyopathy. Last evaluated: 2025-12-01. Review status: criteria provided, single submitter. Criteria: Invitae Variant Classification Sherloc (09022015). Collection method: clinical testing. Allele origin: germline.
Comment: This sequence change replaces leucine, which is neutral and non-polar, with isoleucine, which is neutral and non-polar, at codon 1306 of the MYH7 protein (p.Leu1306Ile). Information on the frequency of this variant in the gnomAD database is not available, as this variant may be reported differently in the database. This missense change has been observed in individual(s) with hypertrophic cardiomyopathy (internal data). ClinVar contains an entry for this variant (Variation ID: 188247). Experimental studies and prediction algorithms are not available or were not evaluated, and the functional significance of this variant is currently unknown. In summary, the available evidence is currently insufficient to determine the role of this variant in disease. Therefore, it has been classified as a Variant of Uncertain Significance.